The following is an entry in ClinVar:

ClinVar aggregate classification (germline): Conflicting classifications of pathogenicity. Review status: criteria provided, conflicting classifications (1 of 4 stars). 3 submissions from 3 submitters: Uncertain significance (1); Likely benign (1). 1 of the submissions does not count toward it. Last evaluated 2025-10-15.

Conditions:
Early-infantile DEE. Also called: Ohtahara syndrome; Early infantile epileptic encephalopathy with suppression bursts; Early infantile epileptic encephalopathy. Identifiers: Orphanet 1934, MedGen C0393706, MONDO:0800491.
ARHGEF15-related disorder. Also called: ARHGEF15-related condition.

Allele frequency attached by ClinVar (database versions not stated): gnomAD exomes 0.00005 and 0.00013; ExAC 0.00012; gnomAD 0.00045 and 0.00049; TOPMed 0.00046; ESP Exome Variant Server 0.00085.

Submissions (3):

Labcorp Genetics (formerly Invitae), Labcorp
Classification: Likely benign for Early-infantile DEE. Last evaluated: 2025-10-15. Review status: criteria provided, single submitter. Criteria: Invitae Variant Classification Sherloc (09022015). Collection method: clinical testing. Allele origin: germline.

Ambry Genetics
Classification: Uncertain significance. Last evaluated: 2022-07-08. Review status: criteria provided, single submitter. Criteria: Ambry Variant Classification Scheme 2023. Collection method: clinical testing. Allele origin: germline.

PreventionGenetics, part of Exact Sciences
Classification: Likely benign for ARHGEF15-related condition. Last evaluated: 2022-08-02. Review status: no assertion criteria provided. Collection method: clinical testing. Allele origin: germline. Not counted in ClinVar's aggregate classification.
Comment: This variant is classified as likely benign based on ACMG/AMP sequence variant interpretation guidelines (Richards et al. 2015 PMID: 25741868, with internal and published modifications).

NM_173728.4(ARHGEF15):c.1411G>A (p.Val471Ile)

Gene: ARHGEF15 (Rho guanine nucleotide exchange factor 15; plus strand). Cytogenetic location: 17p13.1.
Variant type: single nucleotide variant.
Coding change: c.1411G>A on transcript NM_173728.4 (MANE Select); coding-DNA position 1411, G replaced by A.
Protein change: p.Val471Ile; replaces valine 471 with isoleucine.
Molecular consequence: missense variant.
Genome position (GRCh38, 1-based): chr17:8,315,564, G>A. VCF-style: chr17-8315564-G-A. GRCh37 (hg19) VCF-style: chr17-8218882-G-A.
Other names: c.1411G>A, p.Val471Ile (NM_025014.2); short protein forms V471I.
Identifiers: ClinVar variation 412680 (VCV000412680.15), dbSNP rs113425529, ClinGen allele CA8375161.